The following is an entry in ClinVar:

NM_000051.4(ATM):c.2099A>G (p.Gln700Arg)

Gene: ATM (ATM serine/threonine kinase; plus strand). Cytogenetic location: 11q22.3.
Variant type: single nucleotide variant.
Coding change: c.2099A>G on transcript NM_000051.4 (MANE Select); coding-DNA position 2099, A replaced by G.
Protein change: p.Gln700Arg; replaces glutamine 700 with arginine.
Molecular consequence: missense variant.
Genome position (GRCh38, 1-based): chr11:108,254,014, A>G. VCF-style: chr11-108254014-A-G. GRCh37 (hg19) VCF-style: chr11-108124741-A-G.
Other names: c.2099A>G, p.Gln700Arg (NM_001351834.2); short protein forms Q700R.
Identifiers: ClinVar variation 4825499 (VCV004825499.1).

ClinVar aggregate classification (germline): Uncertain significance (1 of 4 stars; one submission).

Conditions:
Hereditary cancer-predisposing syndrome. Also called: Neoplastic Syndromes, Hereditary; Tumor predisposition; Hereditary Cancer Syndrome; Hereditary neoplastic syndrome. Identifiers: Orphanet 140162, MedGen C0027672, MeSH D009386, MONDO:0015356.

gnomAD v4.1: 1 of 1,613,912 alleles (0.000062%); no homozygotes.

Submission:

Ambry Genetics
Classification: Uncertain significance for Hereditary cancer-predisposing syndrome. Last evaluated: 2026-01-20. Review status: criteria provided, single submitter. Criteria: Ambry Variant Classification Scheme 2023. Collection method: clinical testing. Allele origin: germline.
Comment: The p.Q700R variant (also known as c.2099A>G), located in coding exon 12 of the ATM gene, results from an A to G substitution at nucleotide position 2099. The glutamine at codon 700 is replaced by arginine, an amino acid with highly similar properties. This amino acid position is conserved. In addition, this alteration is predicted to be tolerated by in silico analysis. Based on the available evidence, the clinical significance of this variant remains unclear.